The following is an entry in ClinVar:

ClinVar aggregate classification (germline): Likely benign. Review status: criteria provided, single submitter (1 of 4 stars). 2 submissions from 2 submitters: Likely benign (1). 1 of the submissions does not count toward it. Last evaluated 2023-07-19.

Conditions:
PCNT-related disorder. Also called: PCNT-related condition.

Allele frequency attached by ClinVar (database versions not stated): TOPMed below 0.00001.
gnomAD v4.1: 7 of 1,611,848 alleles (0.00043%); highest among the groups gnomAD compares: Admixed American, 0.0017%; no homozygotes.

Submissions (2):

Labcorp Genetics (formerly Invitae), Labcorp
Classification: Likely benign. Last evaluated: 2023-07-19. Review status: criteria provided, single submitter. Criteria: Invitae Variant Classification Sherloc (09022015). Collection method: clinical testing. Allele origin: germline.

PreventionGenetics, part of Exact Sciences
Classification: Likely benign for PCNT-related condition. Last evaluated: 2023-02-16. Review status: no assertion criteria provided. Collection method: clinical testing. Allele origin: germline. Not counted in ClinVar's aggregate classification.
Comment: This variant is classified as likely benign based on ACMG/AMP sequence variant interpretation guidelines (Richards et al. 2015 PMID: 25741868, with internal and published modifications).

NM_006031.6(PCNT):c.2565C>T (p.His855=)

Gene: PCNT (pericentrin; plus strand). Cytogenetic location: 21q22.3.
Variant type: single nucleotide variant.
Coding change: c.2565C>T on transcript NM_006031.6 (MANE Select); coding-DNA position 2565, C replaced by T.
Protein change: p.His855=; no amino-acid change (histidine 855 retained).
Molecular consequence: synonymous variant.
Genome position (GRCh38, 1-based): chr21:46,363,890, C>T. VCF-style: chr21-46363890-C-T. GRCh37 (hg19) VCF-style: chr21-47783805-C-T.
Other names: c.2565C>T (NM_006031.5); c.2211C>T, p.His737= (NM_001315529.2).
Identifiers: ClinVar variation 3017247 (VCV003017247.4), dbSNP rs1042019863, ClinGen allele CA322003687.
Genomic context (GRCh38, chr21:46,363,890, plus strand): 5'-TTGCAGCCAGTGTGGGCGGGAGCCGCCCACAGCCCAGGACGGGGAGCTTGCTGCGCTCCA[C>T]GTGAAGGAAGACTGCGCCCTGCAGCTGATGCTGGCCCGGAGCAGGTGGGTTTGCAGTGAC-3'
Protein context (NP_006022.3, residues 845-865): TAQDGELAAL[His855=]VKEDCALQLM